The following is an entry in ClinVar:

ClinVar aggregate classification (germline): Conflicting classifications of pathogenicity. Review status: criteria provided, conflicting classifications (1 of 4 stars). 4 submissions from 4 submitters: Uncertain significance (1); Benign (2). 1 of the submissions does not count toward it. Last evaluated 2026-01-13.

Conditions:
NYX-related disorder. Also called: NYX-related condition.

Allele frequency attached by ClinVar (database versions not stated): gnomAD exomes 0.00012 and 0.00048; 1000 Genomes Project 0.00079; ExAC 0.00094; 1000 Genomes Project 30x 0.00104; gnomAD 0.00127 and 0.00135; TOPMed 0.00130; ESP Exome Variant Server 0.00161.
gnomAD v4.1: 273 of 1,197,416 alleles (0.023%); highest among the groups gnomAD compares: African/African-American, 0.43%; no homozygotes.

Submissions (4):

Labcorp Genetics (formerly Invitae), Labcorp
Classification: Benign. Last evaluated: 2026-01-13. Review status: criteria provided, single submitter. Criteria: Invitae Variant Classification Sherloc (09022015). Collection method: clinical testing. Allele origin: germline.

Blueprint Genetics
Classification: Benign. Last evaluated: 2022-12-01. Review status: criteria provided, single submitter. Criteria: ACMG Guidelines, 2015. Collection method: clinical testing. Allele origin: germline.

Eurofins Ntd Llc (ga)
Classification: Uncertain significance. Last evaluated: 2013-08-15. Review status: criteria provided, single submitter. Criteria: EGL Classification Definitions 2015. Collection method: clinical testing. Allele origin: germline. Observed: 1 variant allele, 1 hemizygote.

PreventionGenetics, part of Exact Sciences
Classification: Benign for NYX-related condition. Last evaluated: 2019-08-28. Review status: no assertion criteria provided. Collection method: clinical testing. Allele origin: germline. Not counted in ClinVar's aggregate classification.
Comment: This variant is classified as benign based on ACMG/AMP sequence variant interpretation guidelines (Richards et al. 2015 PMID: 25741868, with internal and published modifications).

NM_001378477.3(NYX):c.1188G>A (p.Pro396=)

Gene: NYX (nyctalopin; plus strand). Cytogenetic location: Xp11.4.
Variant type: single nucleotide variant.
Coding change: c.1188G>A on transcript NM_001378477.3 (MANE Select); coding-DNA position 1188, G replaced by A.
Protein change: p.Pro396=; no amino-acid change (proline 396 retained).
Molecular consequence: synonymous variant.
Genome position (GRCh38, 1-based): chrX:41,474,656, G>A. VCF-style: chrX-41474656-G-A. GRCh37 (hg19) VCF-style: chrX-41333909-G-A.
Other names: c.1188G>A, p.Pro396= (NM_022567.3).
Identifiers: ClinVar variation 96087 (VCV000096087.16), dbSNP rs139558261, ClinGen allele CA223725.
Genomic context (GRCh38, chrX:41,474,656, plus strand): 5'-CTCCGATGGCCTCTGTGTGGACCCCGAGGAGCTGAACCTCACCACGTCCAGTCCAGGCCC[G>A]TCCCCAGAACCAGCGGCCACCACCGTGAGCAGGTTCAGCAGCCTCCTCTCCAAGCTGCTG-3'
Protein context (NP_001365406.2, residues 386-406): ELNLTTSSPG[Pro396=]SPEPAATTVS